The following is an entry in ClinVar:

NM_012199.5(AGO1):c.1354G>A (p.Ala452Thr)

Gene: AGO1 (argonaute RISC component 1; plus strand). Cytogenetic location: 1p34.3.
Variant type: single nucleotide variant.
Coding change: c.1354G>A on transcript NM_012199.5 (MANE Select); coding-DNA position 1354, G replaced by A.
Protein change: p.Ala452Thr; replaces alanine 452 with threonine.
Molecular consequence: missense variant.
Genome position (GRCh38, 1-based): chr1:35,902,294, G>A. VCF-style: chr1-35902294-G-A. GRCh37 (hg19) VCF-style: chr1-36367895-G-A.
Other names: c.1354G>A, p.Ala452Thr (NM_001317122.2); c.1129G>A, p.Ala377Thr (NM_001317123.2); short protein forms A452T, A377T.
Identifiers: ClinVar variation 2531391 (VCV002531391.2), dbSNP rs2523871196, ClinGen allele CA339378522.

ClinVar aggregate classification (germline): Likely pathogenic (1 of 4 stars; one submission).

Conditions:
Inborn genetic diseases. Identifiers: MedGen C0950123, MeSH D030342.

gnomAD v4.1: 5 of 1,614,176 alleles (0.00031%); highest among the groups gnomAD compares: Non-Finnish European, 0.00042%; no homozygotes.

Submission:

Ambry Genetics
Classification: Likely pathogenic for Inborn genetic diseases. Last evaluated: 2023-05-12. Review status: criteria provided, single submitter. Criteria: Ambry Variant Classification Scheme 2023. Collection method: clinical testing. Allele origin: germline.
Comment: The c.1354G>A (p.A452T) alteration is located in exon 11 (coding exon 11) of the AGO1 gene. This alteration results from a G to A substitution at nucleotide position 1354, causing the alanine (A) at amino acid position 452 to be replaced by a threonine (T). This variant was not reported in population-based cohorts in the Genome Aggregation Database (gnomAD). This amino acid position is highly conserved in available vertebrate species. This missense alteration is located in a region that has a low rate of benign missense variation (Lek, 2016; Firth, 2009). This alteration is predicted to be tolerated by in silico analysis. Based on the available evidence, this alteration is classified as likely pathogenic.